The following is an entry in ClinVar:

ClinVar aggregate classification (germline): Likely benign. Review status: criteria provided, multiple submitters, no conflicts (2 of 4 stars). 4 submissions from 4 submitters: Likely benign (3). 1 of the submissions does not count toward it. Last evaluated 2025-04-09.

Conditions:
Fanconi anemia (FA). Also called: Fanconi's anemia. Identifiers: Orphanet 84, MedGen C0015625, MeSH D005199, MONDO:0019391.
Fanconi anemia complementation group C (FANCC). Also called: FANCONI PANCYTOPENIA, TYPE 3; FACC; FANCC-Related Fanconi Anemia; Fanconi anemia, group C. Identifiers: Orphanet 84, MedGen C3468041, MONDO:0009213, OMIM 227645.

Allele frequency attached by ClinVar (database versions not stated): TOPMed 0.00001; gnomAD 0.00003.
gnomAD v4.1: 4 of 1,612,766 alleles (0.00025%); highest among the groups gnomAD compares: African/African-American, 0.004%; no homozygotes.

Submissions (4):

Labcorp Genetics (formerly Invitae), Labcorp
Classification: Likely benign for Fanconi anemia. Last evaluated: 2025-04-09. Review status: criteria provided, single submitter. Criteria: Invitae Variant Classification Sherloc (09022015). Collection method: clinical testing. Allele origin: germline.

Fulgent Genetics
Classification: Likely benign for Fanconi anemia complementation group C. Last evaluated: 2021-07-26. Review status: criteria provided, single submitter. Criteria: ACMG Guidelines, 2015. Collection method: clinical testing. Allele origin: unknown.

GeneDx
Classification: Likely benign. Last evaluated: 2017-03-09. Review status: criteria provided, single submitter. Criteria: GeneDx Variant Classification (06012015). Collection method: clinical testing. Allele origin: germline. Affected: yes.
Comment: This variant is considered likely benign or benign based on one or more of the following criteria: it is a conservative change, it occurs at a poorly conserved position in the protein, it is predicted to be benign by multiple in silico algorithms, and/or has population frequency not consistent with disease.

Natera, Inc.
Classification: Uncertain significance for Fanconi anemia, group C. Last evaluated: 2020-01-11. Review status: no assertion criteria provided. Collection method: clinical testing. Allele origin: germline. Not counted in ClinVar's aggregate classification.

NM_000136.3(FANCC):c.1330-6G>T

Genes: AOPEP (aminopeptidase O (putative); plus strand), FANCC (FA complementation group C; minus strand). Cytogenetic location: 9q22.32.
Variant type: single nucleotide variant.
Coding change: c.1330-6G>T on transcript NM_000136.3 (MANE Select); 6 bases into the intron before coding-DNA position 1330, G replaced by T.
Molecular consequence: intron variant.
Genome position (GRCh38, 1-based): chr9:95,107,275, C>A on the plus strand (G>T on the coding strand, the complement: FANCC is on the minus strand). VCF-style: chr9-95107275-C-A. GRCh37 (hg19) VCF-style: chr9-97869557-C-A.
Other names: c.1330-6G>T (NM_001243743.2).
Identifiers: ClinVar variation 507920 (VCV000507920.11), dbSNP rs1223668739, ClinGen allele CA589580892.